The following is an entry in ClinVar:

ClinVar aggregate classification (germline): Uncertain significance (1 of 4 stars; one submission).

Conditions:
Joubert syndrome. Also called: CEREBELLOPARENCHYMAL DISORDER IV; JOUBERT-BOLTSHAUSER SYNDROME; Familial aplasia of the vermis. Identifiers: Orphanet 475, MedGen C5979921, MONDO:0018772.
Meckel-Gruber syndrome. Also called: DYSENCEPHALIA SPLANCHNOCYSTICA; GRUBER SYNDROME; Dysencephalia splachnocystica. Identifiers: Orphanet 564, MedGen C0265215, MONDO:0018921.

Allele frequency attached by ClinVar (database versions not stated): gnomAD exomes below 0.00001; ExAC 0.00001; TOPMed 0.00002.
gnomAD v4.1: 10 of 1,580,126 alleles (0.00063%); highest among the groups gnomAD compares: Non-Finnish European, 0.00052%; no homozygotes.

Submission:

Labcorp Genetics (formerly Invitae), Labcorp
Classification: Uncertain significance for Joubert syndrome; Meckel-Gruber syndrome. Last evaluated: 2022-03-13. Review status: criteria provided, single submitter. Criteria: Invitae Variant Classification Sherloc (09022015). Collection method: clinical testing. Allele origin: germline.
Comment: In summary, the available evidence is currently insufficient to determine the role of this variant in disease. Therefore, it has been classified as a Variant of Uncertain Significance. Algorithms developed to predict the effect of missense changes on protein structure and function are either unavailable or do not agree on the potential impact of this missense change (SIFT: "Deleterious"; PolyPhen-2: "Benign"; Align-GVGD: "Class C0"). This variant has not been reported in the literature in individuals affected with TCTN2-related conditions. This variant is present in population databases (rs777826491, gnomAD 0.007%). This sequence change replaces asparagine, which is neutral and polar, with isoleucine, which is neutral and non-polar, at codon 429 of the TCTN2 protein (p.Asn429Ile).

NM_024809.5(TCTN2):c.1286A>T (p.Asn429Ile)

Gene: TCTN2 (tectonic family member 2; plus strand). Cytogenetic location: 12q24.31.
Variant type: single nucleotide variant.
Coding change: c.1286A>T on transcript NM_024809.5 (MANE Select); coding-DNA position 1286, A replaced by T.
Protein change: p.Asn429Ile; replaces asparagine 429 with isoleucine.
Molecular consequence: missense variant.
Genome position (GRCh38, 1-based): chr12:123,695,271, A>T. VCF-style: chr12-123695271-A-T. GRCh37 (hg19) VCF-style: chr12-124179818-A-T.
Other names: c.1283A>T, p.Asn428Ile (NM_001143850.3); c.1151A>T, p.Asn384Ile (NM_001410989.1); short protein forms N428I, N429I, N384I.
Identifiers: ClinVar variation 2076430 (VCV002076430.3), dbSNP rs777826491, ClinGen allele CA6861162.